The following is an entry in ClinVar:

NM_014989.7(RIMS1):c.1681G>A (p.Asp561Asn)

Gene: RIMS1 (regulating synaptic membrane exocytosis 1; plus strand). Cytogenetic location: 6q13.
Variant type: single nucleotide variant.
Coding change: c.1681G>A on transcript NM_014989.7 (MANE Select); coding-DNA position 1681, G replaced by A.
Protein change: p.Asp561Asn; replaces aspartic acid 561 with asparagine.
Molecular consequence: missense variant. On other transcripts: 5 prime UTR variant (9).
Genome position (GRCh38, 1-based): chr6:72,233,775, G>A. VCF-style: chr6-72233775-G-A. GRCh37 (hg19) VCF-style: chr6-72943478-G-A.
Other names: c.103G>A, p.Asp35Asn (NM_001168407.2, NM_001168408.2, NM_001350414.2 and 37 more transcripts); c.-141G>A (NM_001168409.2, NM_001350461.2, NM_001350463.2 and 6 more transcripts); c.58G>A, p.Asp20Asn (NM_001168410.2, NM_001350470.2, NM_001350472.2 and 2 more transcripts); c.34G>A, p.Asp12Asn (NM_001350421.2, NM_001350424.2, NM_001350428.2 and 6 more transcripts); short protein forms D12N, D35N, D20N, D561N.
Identifiers: ClinVar variation 1501821 (VCV001501821.8), dbSNP rs2062948314, ClinGen allele CA364823316.

ClinVar aggregate classification (germline): Uncertain significance (1 of 4 stars; one submission).

Submission:

Labcorp Genetics (formerly Invitae), Labcorp
Classification: Uncertain significance. Last evaluated: 2023-07-17. Review status: criteria provided, single submitter. Criteria: Invitae Variant Classification Sherloc (09022015). Collection method: clinical testing. Allele origin: germline.
Comment: This sequence change replaces aspartic acid, which is acidic and polar, with asparagine, which is neutral and polar, at codon 561 of the RIMS1 protein (p.Asp561Asn). In summary, the available evidence is currently insufficient to determine the role of this variant in disease. Therefore, it has been classified as a Variant of Uncertain Significance. An algorithm developed to predict the effect of missense changes on protein structure and function (PolyPhen-2) suggests that this variant is likely to be disruptive. ClinVar contains an entry for this variant (Variation ID: 1501821). This variant has not been reported in the literature in individuals affected with RIMS1-related conditions. This variant is not present in population databases (gnomAD no frequency).